The following is an entry in ClinVar:

NM_001377295.2(GNAT2):c.498G>T (p.Glu166Asp)

Gene: GNAT2 (G protein subunit alpha transducin 2; minus strand). Cytogenetic location: 1p13.3.
Variant type: single nucleotide variant.
Coding change: c.498G>T on transcript NM_001377295.2 (MANE Select); coding-DNA position 498, G replaced by T.
Protein change: p.Glu166Asp; replaces glutamic acid 166 with aspartic acid.
Molecular consequence: missense variant.
Genome position (GRCh38, 1-based): chr1:109,606,400, C>A on the plus strand (G>T on the coding strand, the complement: GNAT2 is on the minus strand). VCF-style: chr1-109606400-C-A. GRCh37 (hg19) VCF-style: chr1-110149022-C-A.
Other names: c.498G>T, p.Glu166Asp (NM_001379232.1, NM_005272.5); short protein forms E166D.
Identifiers: ClinVar variation 1405322 (VCV001405322.8), dbSNP rs747669348, ClinGen allele CA992404.

ClinVar aggregate classification (germline): Uncertain significance (1 of 4 stars; one submission).

Allele frequency attached by ClinVar (database versions not stated): gnomAD 0.00001; gnomAD exomes 0.00001; TOPMed 0.00001; ExAC 0.00002.
gnomAD v4.1: 13 of 1,612,404 alleles (0.00081%); highest among the groups gnomAD compares: Middle Eastern, 0.017%; no homozygotes.

Submission:

Labcorp Genetics (formerly Invitae), Labcorp
Classification: Uncertain significance. Last evaluated: 2022-09-27. Review status: criteria provided, single submitter. Criteria: Invitae Variant Classification Sherloc (09022015). Collection method: clinical testing. Allele origin: germline.
Comment: In summary, the available evidence is currently insufficient to determine the role of this variant in disease. Therefore, it has been classified as a Variant of Uncertain Significance. This variant is present in population databases (rs747669348, gnomAD 0.02%). This variant has not been reported in the literature in individuals affected with GNAT2-related conditions. ClinVar contains an entry for this variant (Variation ID: 1405322). Advanced modeling of protein sequence and biophysical properties (such as structural, functional, and spatial information, amino acid conservation, physicochemical variation, residue mobility, and thermodynamic stability) performed at Invitae indicates that this missense variant is not expected to disrupt GNAT2 protein function. Algorithms developed to predict the effect of sequence changes on RNA splicing suggest that this variant may create or strengthen a splice site. This sequence change replaces glutamic acid, which is acidic and polar, with aspartic acid, which is acidic and polar, at codon 166 of the GNAT2 protein (p.Glu166Asp).